The following is an entry in ClinVar:

ClinVar aggregate classification (germline): Uncertain significance (1 of 4 stars; one submission).

Allele frequency attached by ClinVar (database versions not stated): gnomAD 0.00001; gnomAD exomes 0.00001; ExAC 0.00002.

Submission:

Labcorp Genetics (formerly Invitae), Labcorp
Classification: Uncertain significance. Last evaluated: 2024-02-23. Review status: criteria provided, single submitter. Criteria: Invitae Variant Classification Sherloc (09022015). Collection method: clinical testing. Allele origin: germline.
Comment: This sequence change replaces methionine, which is neutral and non-polar, with leucine, which is neutral and non-polar, at codon 1018 of the SON protein (p.Met1018Leu). This variant is present in population databases (rs139377284, gnomAD 0.02%). This variant has not been reported in the literature in individuals affected with SON-related conditions. ClinVar contains an entry for this variant (Variation ID: 1944504). An algorithm developed to predict the effect of missense changes on protein structure and function (PolyPhen-2) suggests that this variant is likely to be disruptive. In summary, the available evidence is currently insufficient to determine the role of this variant in disease. Therefore, it has been classified as a Variant of Uncertain Significance.

NM_138927.4(SON):c.3052A>T (p.Met1018Leu)

Gene: SON (SON DNA and RNA binding protein; plus strand). Cytogenetic location: 21q22.11.
Variant type: single nucleotide variant.
Coding change: c.3052A>T on transcript NM_138927.4 (MANE Select); coding-DNA position 3052, A replaced by T.
Protein change: p.Met1018Leu; replaces methionine 1018 with leucine.
Molecular consequence: missense variant. On other transcripts: non-coding transcript variant (1), intron variant (1).
Genome position (GRCh38, 1-based): chr21:33,552,283, A>T. VCF-style: chr21-33552283-A-T. GRCh37 (hg19) VCF-style: chr21-34924589-A-T.
Other names: c.3052A>T, p.Met1018Leu (NM_001291411.2, NM_001412133.1, NM_032195.3 and 2 more transcripts); c.245-4873A>T (NM_001291412.3); short protein forms M1018L.
Identifiers: ClinVar variation 1944504 (VCV001944504.5), dbSNP rs139377284, ClinGen allele CA10009204.